The following is an entry in ClinVar:

ClinVar aggregate classification (germline): Uncertain significance (1 of 4 stars; one submission).

Submission:

Women's Health and Genetics/Laboratory Corporation of America, LabCorp
Classification: Uncertain significance. Last evaluated: 2024-06-11. Review status: criteria provided, single submitter. Criteria: LabCorp Variant Classification Summary - May 2015. Collection method: clinical testing. Allele origin: germline.
Comment: Variant summary: DDX3X c.1026-7A>G alters a non-conserved nucleotide located close to a canonical splice site and therefore could affect mRNA splicing, leading to a significantly altered protein sequence. Consensus agreement among computation tools predict no significant impact on normal splicing. However, these predictions have yet to be confirmed by functional studies. The variant was absent in 178474 control chromosomes. The available data on variant occurrences in the general population are insufficient to allow any conclusion about variant significance. To our knowledge, no occurrence of c.1026-7A>G in individuals affected with X-Linked Intellectual Disability 102 and no experimental evidence demonstrating its impact on protein function have been reported. No submitters have cited clinical-significance assessments for this variant to ClinVar. Based on the evidence outlined above, the variant was classified as uncertain significance.

NM_001356.5(DDX3X):c.1026-7A>G

Gene: DDX3X (DEAD-box helicase 3 X-linked; plus strand). Cytogenetic location: Xp11.4.
Variant type: single nucleotide variant.
Coding change: c.1026-7A>G on transcript NM_001356.5 (MANE Select); 7 bases into the intron before coding-DNA position 1026, A replaced by G.
Molecular consequence: intron variant.
Genome position (GRCh38, 1-based): chrX:41,345,173, A>G. VCF-style: chrX-41345173-A-G. GRCh37 (hg19) VCF-style: chrX-41204426-A-G.
Other names: c.1026-7A>G (NM_001193416.3); c.978-7A>G (NM_001193417.3); c.468-7A>G (NM_001363819.1).
Identifiers: ClinVar variation 3339615 (VCV003339615.1).
Genomic context (GRCh38, chrX:41,345,173, plus strand): 5'-TACTAAAACCATGTTGATTTCTCCTCAAATTCTAAACTCAGGCTTGTTTTTTTTCATGAC[A>G]TGACAGATACTTGGTGTTAGATGAAGCTGATCGGATGTTGGATATGGGGTTTGAGCCTCA-3'